The following is an entry in ClinVar:

NM_020297.4(ABCC9):c.3410T>C (p.Val1137Ala)

Gene: ABCC9 (ATP binding cassette subfamily C member 9; minus strand). Cytogenetic location: 12p12.1.
Variant type: single nucleotide variant.
Coding change: c.3410T>C on transcript NM_020297.4 (MANE Select); coding-DNA position 3410, T replaced by C.
Protein change: p.Val1137Ala; replaces valine 1137 with alanine.
Molecular consequence: missense variant.
Genome position (GRCh38, 1-based): chr12:21,842,377, A>G on the plus strand (T>C on the coding strand, the complement: ABCC9 is on the minus strand). VCF-style: chr12-21842377-A-G. GRCh37 (hg19) VCF-style: chr12-21995311-A-G.
Other names: c.3410T>C, p.Val1137Ala (NM_001377273.1, NM_005691.4); c.2543T>C, p.Val848Ala (NM_001377274.1); short protein forms V1137A, V848A.
Identifiers: ClinVar variation 4860852 (VCV004860852.1).

ClinVar aggregate classification (germline): Uncertain significance (1 of 4 stars; one submission).

Conditions:
Cardiovascular phenotype. Identifiers: MedGen CN230736.

gnomAD v4.1: 1 of 1,614,184 alleles (0.000062%); highest among the groups gnomAD compares: East Asian, 0.0022%; no homozygotes.

Submission:

Ambry Genetics
Classification: Uncertain significance for Cardiovascular phenotype. Last evaluated: 2026-05-14. Review status: criteria provided, single submitter. Criteria: Ambry Variant Classification Scheme 2023. Collection method: clinical testing. Allele origin: germline.
Comment: The p.V1137A variant (also known as c.3410T>C), located in coding exon 27 of the ABCC9 gene, results from a T to C substitution at nucleotide position 3410. The valine at codon 1137 is replaced by alanine, an amino acid with similar properties. This amino acid position is conserved. In addition, this alteration is predicted to be tolerated by in silico analysis. Based on the available evidence, the clinical significance of this variant remains unclear.